The following is an entry in ClinVar:

ClinVar aggregate classification (germline): Uncertain significance. Review status: criteria provided, multiple submitters, no conflicts (2 of 4 stars). 2 submissions from 2 submitters: Uncertain significance (2). Last evaluated 2026-07-10.

Conditions:
SCYL1-related disorder. Also called: SCYL1-related condition.
Inborn genetic diseases. Identifiers: MedGen C0950123, MeSH D030342.

Allele frequency attached by ClinVar (database versions not stated): gnomAD 0.00002; gnomAD exomes 0.00003; TOPMed 0.00004; ExAC 0.00006; ESP Exome Variant Server 0.00008.
gnomAD v4.1: 45 of 1,613,262 alleles (0.0028%); highest among the groups gnomAD compares: East Asian, 0.029%; no homozygotes.

Submissions (2):

PreventionGenetics, part of Exact Sciences
Classification: Uncertain significance for SCYL1-related condition. Last evaluated: 2026-07-10. Review status: criteria provided, single submitter. Criteria: ACMG Guidelines, 2015. Collection method: clinical testing. Allele origin: germline.
Comment: The SCYL1 c.865G>A variant is predicted to result in the amino acid substitution p.Glu289Lys. To our knowledge, this variant has not been reported in the literature. This variant is reported in 0.058% of alleles in individuals of Ashkenazi Jewish descent in gnomAD. At this time, the clinical significance of this variant is uncertain due to the absence of conclusive functional and genetic evidence.

Ambry Genetics
Classification: Uncertain significance for Inborn genetic diseases. Last evaluated: 2025-08-14. Review status: criteria provided, single submitter. Criteria: Ambry Variant Classification Scheme 2023. Collection method: clinical testing. Allele origin: germline.

NM_020680.4(SCYL1):c.865G>A (p.Glu289Lys)

Gene: SCYL1 (SCY1 like pseudokinase 1; plus strand). Cytogenetic location: 11q13.1.
Variant type: single nucleotide variant.
Coding change: c.865G>A on transcript NM_020680.4 (MANE Select); coding-DNA position 865, G replaced by A.
Protein change: p.Glu289Lys; replaces glutamic acid 289 with lysine.
Molecular consequence: missense variant.
Genome position (GRCh38, 1-based): chr11:65,530,644, G>A. VCF-style: chr11-65530644-G-A. GRCh37 (hg19) VCF-style: chr11-65298115-G-A.
Other names: c.865G>A, p.Glu289Lys (NM_001048218.2, NM_001411022.1); short protein forms E289K.
Identifiers: ClinVar variation 2568690 (VCV002568690.4), dbSNP rs369729088, ClinGen allele CA6099637.